The following is an entry in ClinVar:

ClinVar aggregate classification (germline): Uncertain significance. Review status: criteria provided, multiple submitters, no conflicts (2 of 4 stars). 2 submissions from 2 submitters: Uncertain significance (2). Last evaluated 2024-04-04.

Conditions:
Inborn genetic diseases. Identifiers: MedGen C0950123, MeSH D030342.

gnomAD v4.1: 1 of 1,614,166 alleles (0.000062%); highest among the groups gnomAD compares: South Asian, 0.0011%; no homozygotes.

Submissions (2):

Ambry Genetics
Classification: Uncertain significance for Inborn genetic diseases. Last evaluated: 2024-04-04. Review status: criteria provided, single submitter. Criteria: Ambry Variant Classification Scheme 2023. Collection method: clinical testing. Allele origin: germline.

Labcorp Genetics (formerly Invitae), Labcorp
Classification: Uncertain significance. Last evaluated: 2022-10-13. Review status: criteria provided, single submitter. Criteria: Invitae Variant Classification Sherloc (09022015). Collection method: clinical testing. Allele origin: germline.
Comment: This sequence change replaces alanine, which is neutral and non-polar, with glycine, which is neutral and non-polar, at codon 73 of the DNAJC12 protein (p.Ala73Gly). In summary, the available evidence is currently insufficient to determine the role of this variant in disease. Therefore, it has been classified as a Variant of Uncertain Significance. Algorithms developed to predict the effect of missense changes on protein structure and function (SIFT, PolyPhen-2, Align-GVGD) all suggest that this variant is likely to be tolerated. ClinVar contains an entry for this variant (Variation ID: 1416344). This variant has not been reported in the literature in individuals affected with DNAJC12-related conditions. This variant is present in population databases (no rsID available, gnomAD 0.003%).

NM_021800.3(DNAJC12):c.218C>G (p.Ala73Gly)

Gene: DNAJC12 (DnaJ heat shock protein family (Hsp40) member C12; minus strand). Cytogenetic location: 10q21.3.
Variant type: single nucleotide variant.
Coding change: c.218C>G on transcript NM_021800.3 (MANE Select); coding-DNA position 218, C replaced by G.
Protein change: p.Ala73Gly; replaces alanine 73 with glycine.
Molecular consequence: missense variant.
Genome position (GRCh38, 1-based): chr10:67,811,603, G>C on the plus strand (C>G on the coding strand, the complement: DNAJC12 is on the minus strand). VCF-style: chr10-67811603-G-C. GRCh37 (hg19) VCF-style: chr10-69571361-G-C.
Other names: c.218C>G, p.Ala73Gly (NM_201262.2); c.218C>G (NM_021800.2); short protein forms A73G.
Identifiers: ClinVar variation 1416344 (VCV001416344.7), dbSNP rs770664606, ClinGen allele CA377098704.